The following is an entry in ClinVar:

ClinVar aggregate classification (germline): Pathogenic/Likely pathogenic. Review status: criteria provided, multiple submitters, no conflicts (2 of 4 stars). 2 submissions from 2 submitters: Pathogenic (1); Likely pathogenic (1). Last evaluated 2025-06-12.

Conditions:
Joubert syndrome 14 (JBTS14). Identifiers: MedGen C3280766, MONDO:0013745, OMIM 614424.
TMEM237-related disorder. Also called: TMEM237-related condition.

Allele frequency attached by ClinVar (database versions not stated): ExAC 0.00001; gnomAD exomes 0.00001; TOPMed 0.00001; gnomAD 0.00003 and 0.00004.
gnomAD v4.1: 22 of 1,607,142 alleles (0.0014%); highest among the groups gnomAD compares: African/African-American, 0.012%; no homozygotes.

Submissions (2):

Labcorp Genetics (formerly Invitae), Labcorp
Classification: Pathogenic for Joubert syndrome 14. Last evaluated: 2025-06-12. Review status: criteria provided, single submitter. Criteria: Invitae Variant Classification Sherloc (09022015). Collection method: clinical testing. Allele origin: germline.
Comment: This sequence change creates a premature translational stop signal (p.Arg301*) in the TMEM237 gene. It is expected to result in an absent or disrupted protein product. Loss-of-function variants in TMEM237 are known to be pathogenic (PMID: 22152675). The frequency data for this variant in the population databases is considered unreliable, as metrics indicate poor data quality at this position in the gnomAD database. This variant has not been reported in the literature in individuals affected with TMEM237-related conditions. ClinVar contains an entry for this variant (Variation ID: 647195). Algorithms developed to predict the effect of sequence changes on RNA splicing suggest that this variant may disrupt the consensus splice site. For these reasons, this variant has been classified as Pathogenic.

Blueprint Genetics
Classification: Likely pathogenic for TMEM237-related disorders. Last evaluated: 2021-12-21. Review status: criteria provided, single submitter. Criteria: ACMG Guidelines, 2015. Collection method: clinical testing. Allele origin: germline. Affected: yes. Observed: 2 variant alleles.

Literature cited by the submitters: PubMed 22152675 (cited by Labcorp Genetics (formerly Invitae), Labcorp).

NM_001044385.3(TMEM237):c.901C>T (p.Arg301Ter)

Gene: TMEM237 (transmembrane protein 237; minus strand). Cytogenetic location: 2q33.1.
Variant type: single nucleotide variant.
Coding change: c.901C>T on transcript NM_001044385.3 (MANE Select); coding-DNA position 901, C replaced by T.
Protein change: p.Arg301Ter; replaces arginine 301 with a stop codon.
Molecular consequence: nonsense.
Genome position (GRCh38, 1-based): chr2:201,628,118, G>A on the plus strand (C>T on the coding strand, the complement: TMEM237 is on the minus strand). VCF-style: chr2-201628118-G-A. GRCh37 (hg19) VCF-style: chr2-202492841-G-A.
Other names: c.877C>T, p.Arg293Ter (NM_152388.4); short protein forms R301*, R293*.
Identifiers: ClinVar variation 647195 (VCV000647195.6), dbSNP rs775449384, ClinGen allele CA2056357.
Genomic context (GRCh38, chr2:201,628,118, plus strand): 5'-GTTAAACTGCTTACTCACAGAAAGATGCTAAAGCTGTAGGATCCAGGGCCAAAAAATTTC[G>A]GATTGCTACTGATATTTTAGCAAAGTCAATCCTAGAAAATATAAAAGTTTCTTGTCACAG-3'